The following is an entry in ClinVar:

ClinVar aggregate classification (germline): Pathogenic (1 of 4 stars; one submission).

Conditions:
Hereditary cancer-predisposing syndrome. Also called: Neoplastic Syndromes, Hereditary; Tumor predisposition; Hereditary Cancer Syndrome; Hereditary neoplastic syndrome. Identifiers: Orphanet 140162, MedGen C0027672, MeSH D009386, MONDO:0015356.

Submission:

Ambry Genetics
Classification: Pathogenic for Hereditary cancer-predisposing syndrome. Last evaluated: 2017-06-23. Review status: criteria provided, single submitter. Criteria: Ambry Variant Classification Scheme 2023. Collection method: clinical testing. Allele origin: germline.
Comment: The c.1368delA pathogenic mutation, located in coding exon 11 of the CHEK2 gene, results from a deletion of one nucleotide at nucleotide position 1368, causing a translational frameshift with a predicted alternate stop codon (p.E457Rfs*12). This alteration is expected to result in loss of function by premature protein truncation or nonsense-mediated mRNA decay. As such, this alteration is interpreted as a disease-causing mutation.

NM_007194.4(CHEK2):c.1368del (p.Glu457fs)

Gene: CHEK2 (checkpoint kinase 2; minus strand). Cytogenetic location: 22q12.1.
Variant type: Deletion.
Coding change: c.1368del on transcript NM_007194.4 (MANE Select); coding-DNA position 1368, one base deleted (A; older notation c.1368delA).
Protein change: p.Glu457fs; shifts the reading frame from glutamic acid 457.
Molecular consequence: frameshift variant.
Genome position (GRCh38, 1-based): chr22:28,695,134, T deleted on the plus strand (A on the coding strand, the reverse complement: CHEK2 is on the minus strand). VCF-style (leftmost placement, unchanged base first): chr22-28695133-CT-C. GRCh37 (hg19) VCF-style: chr22-29091121-CT-C.
Other names: c.1497delA, p.Glu500Argfs (NM_001005735.3); c.705delA, p.Glu236Argfs (NM_001257387.3); c.1167delA, p.Glu390Argfs (NM_001349956.3); c.1281delA, p.Glu428Argfs (NM_145862.3); short protein forms E236fs, E428fs, E390fs, E500fs, E457fs.
Identifiers: ClinVar variation 481738 (VCV000481738.5), dbSNP rs1555913410, ClinGen allele CA658656820.